The following is an entry in ClinVar:

NM_138694.4(PKHD1):c.10476dup (p.Lys3493fs)

Gene: PKHD1 (PKHD1 ciliary IPT domain containing fibrocystin/polyductin; minus strand). Cytogenetic location: 6p12.3.
Variant type: Duplication.
Coding change: c.10476dup on transcript NM_138694.4 (MANE Select); coding-DNA position 10476, one base duplicated (C; older notation c.10476dupC).
Protein change: p.Lys3493fs; shifts the reading frame from lysine 3493.
Molecular consequence: frameshift variant.
Genome position (GRCh38, 1-based): chr6:51,659,650, G duplicated on the plus strand (C on the coding strand, the reverse complement: PKHD1 is on the minus strand); the first of 2 consecutive G bases (chr6:51,659,650-51,659,651); duplicating either gives the same sequence. VCF-style (leftmost placement, unchanged base first): chr6-51659649-T-TG. GRCh37 (hg19) VCF-style: chr6-51524447-T-TG.
Other names: short protein forms K3493fs.
Identifiers: ClinVar variation 4059863 (VCV004059863.2).

ClinVar aggregate classification (germline): Likely pathogenic (1 of 4 stars; one submission).

Conditions:
Autosomal recessive polycystic kidney disease (ARPKD). Also called: AR polycystic kidney disease. Identifiers: Orphanet 731, Orphanet 8378, MedGen C0085548, MeSH D017044, MONDO:0009889.

Submission:

Natera, Inc.
Classification: Likely pathogenic for Autosomal recessive polycystic kidney disease. Last evaluated: 2025-05-13. Review status: criteria provided, single submitter. Criteria: Natera Variant Classification Schema (03/2026). Collection method: clinical testing. Allele origin: germline.
Comment: The c.10476dup variant in PKHD1 is a frameshift variant predicted to shift the reading frame beginning at codon 3493 and leads to a stop codon 10 codons downstream. This variant is expected to result in nonsense mediated decay, truncation, or a dysfunctional protein product. This variant is rare in the general population with a frequency below the threshold expected for the associated phenotype(s). Given the available evidence, this variant is classified as Likely Pathogenic.